The following is an entry in ClinVar:

NM_005902.4(SMAD3):c.879C>T (p.Gly293=)

Gene: SMAD3 (SMAD family member 3; plus strand). Cytogenetic location: 15q22.33.
Variant type: single nucleotide variant.
Coding change: c.879C>T on transcript NM_005902.4 (MANE Select); coding-DNA position 879, C replaced by T.
Protein change: p.Gly293=; no amino-acid change (glycine 293 retained).
Molecular consequence: synonymous variant.
Genome position (GRCh38, 1-based): chr15:67,184,734, C>T. VCF-style: chr15-67184734-C-T. GRCh37 (hg19) VCF-style: chr15-67477072-C-T.
Other names: c.564C>T, p.Gly188= (NM_001145102.2); c.747C>T, p.Gly249= (NM_001145103.2); c.294C>T, p.Gly98= (NM_001145104.2).
Identifiers: ClinVar variation 698887 (VCV000698887.19), dbSNP rs769683236, ClinGen allele CA062819.

ClinVar aggregate classification (germline): Conflicting classifications of pathogenicity. Review status: criteria provided, conflicting classifications (1 of 4 stars). 7 submissions from 7 submitters: Uncertain significance (1); Likely benign (4). 2 of the submissions do not count toward it. Last evaluated 2025-09-03.

Conditions:
Aneurysm-osteoarthritis syndrome. Also called: SMAD3-Related Loeys-Dietz Syndrome; LOEYS-DIETZ SYNDROME WITH OSTEOARTHRITIS; Loeys-Dietz syndrome, type 1C; ANEURYSMS-OSTEOARTHRITIS SYNDROME. Identifiers: Orphanet 284984, MedGen C3151087, MONDO:0013426, OMIM 613795.
Ehlers-Danlos syndrome (EDS). Identifiers: Orphanet 98249, MedGen C0013720, MONDO:0020066.
Familial thoracic aortic aneurysm and aortic dissection (TAAD). Also called: Thoracic aortic aneurysms and dissections. Identifiers: Orphanet 91387, MedGen C4707243, MONDO:0019625.
SMAD3-related disorder. Also called: SMAD3-related condition.

Allele frequency attached by ClinVar (database versions not stated): gnomAD 0.00003 and 0.00004; TOPMed 0.00003; gnomAD exomes 0.00005 and 0.00007; ExAC 0.00010.
gnomAD v4.1: 83 of 1,613,952 alleles (0.0051%); highest among the groups gnomAD compares: Non-Finnish European, 0.0067%; no homozygotes.

Submissions (7):

Labcorp Genetics (formerly Invitae), Labcorp
Classification: Likely benign for Familial thoracic aortic aneurysm and aortic dissection. Last evaluated: 2025-09-03. Review status: criteria provided, single submitter. Criteria: Invitae Variant Classification Sherloc (09022015). Collection method: clinical testing. Allele origin: germline.

All of Us Research Program, National Institutes of Health
Classification: Likely benign for Aneurysm-osteoarthritis syndrome. Last evaluated: 2024-02-05. Review status: criteria provided, single submitter. Criteria: ACMG Guidelines, 2015. Collection method: clinical testing. Allele origin: germline. Inheritance: Autosomal dominant inheritance. Observed: 7 variant alleles, 7 heterozygotes.
Comment: This study involves interpretation of variants in research participants for the purpose of population health screening. Participant phenotype was not available at the time of variant classification. Additional details can be found in publication PMID: 35346344, PMCID: PMC8962531

Color Diagnostics, LLC DBA Color Health
Classification: Likely benign for Familial thoracic aortic aneurysm and aortic dissection. Last evaluated: 2020-07-13. Review status: criteria provided, single submitter. Criteria: ACMG Guidelines, 2015. Collection method: clinical testing. Allele origin: germline.

Genome Diagnostics Laboratory, The Hospital for Sick Children
Classification: Uncertain significance for Ehlers-Danlos syndrome. Last evaluated: 2019-05-01. Review status: criteria provided, single submitter. Criteria: ACMG Guidelines, 2015. Collection method: clinical testing. Allele origin: germline.

Blueprint Genetics
Classification: Likely benign. Last evaluated: 2017-06-30. Review status: criteria provided, single submitter. Criteria: ACMG Guidelines, 2015. Collection method: clinical testing. Allele origin: germline.

PreventionGenetics, part of Exact Sciences
Classification: Likely benign for SMAD3-related condition. Last evaluated: 2024-08-19. Review status: no assertion criteria provided. Collection method: clinical testing. Allele origin: germline. Not counted in ClinVar's aggregate classification.
Comment: This variant is classified as likely benign based on ACMG/AMP sequence variant interpretation guidelines (Richards et al. 2015 PMID: 25741868, with internal and published modifications).

Department of Pathology and Laboratory Medicine, Sinai Health System
Classification: Uncertain significance. Review status: no assertion criteria provided. Collection method: clinical testing. Allele origin: unknown. Affected: yes. Study: The Canadian Open Genetics Repository (COGR). Not counted in ClinVar's aggregate classification.
Comment: The SMAD3 p.Gly249Gly variant was not identified in the literature nor was it identified in ClinVar, Cosmic or LOVD 3.0. The variant was identified in dbSNP (ID: rs769683236) and in control databases in 19 of 282784 chromosomes at a frequency of 0.000067 (Genome Aggregation Database Feb 27, 2017). The variant was observed in the following populations: Other in 1 of 7228 chromosomes (freq: 0.000138), European (non-Finnish) in 16 of 129092 chromosomes (freq: 0.000124), South Asian in 1 of 30616 chromosomes (freq: 0.000033) and Latino in 1 of 35440 chromosomes (freq: 0.000028); it was not observed in the African, Ashkenazi Jewish, East Asian, and European (Finnish) populations. The p.Gly249Gly variant is not expected to have clinical significance because it does not result in a change of amino acid and is not located in a known consensus splice site. The variant occurs outside of the splicing consensus sequence however 3 of 4 in silico or computational prediction software programs (SpliceSiteFinder, MaxEntScan, and NNSPLICE) predict a greater than 10% difference in splicing and the creation of a new 5' splice site. However, this information is not predictive enough to assume pathogenicity. In summary, based on the above information the clinical significance of this variant cannot be determined with certainty at this time. This variant is classified as a variant of uncertain significance.